The following is an entry in ClinVar:

ClinVar aggregate classification (germline): Uncertain significance. Review status: reviewed by expert panel (3 of 4 stars). 3 submissions from 3 submitters: Uncertain significance (1). 2 of the submissions do not count toward it. Last evaluated 2024-10-29.

Conditions:
Hereditary thrombocytopenia and hematologic cancer predisposition syndrome. Identifiers: Orphanet 71290, MedGen CN281654, MONDO:0011071.
Inborn genetic diseases. Identifiers: MedGen C0950123, MeSH D030342.
Hereditary thrombocytopenia and hematological cancer predisposition syndrome associated with RUNX1. Also called: RUNX1 Familial Platelet Disorder with Associated Myeloid Malignancies; Familial Platelet Disorder with Propensity to Acute Myelogenous Leukemia; Familial thrombocytopenia with propensity to acute myelogenous leukemia; PLATELET DISORDER, ASPIRIN-LIKE. Identifiers: Orphanet 71290, MedGen C1832388, MeSH C563324, MONDO:0100083, OMIM 601399.

Submissions (3):

ClinGen Myeloid Malignancy Variant Curation Expert Panel
Classification: Uncertain significance for Hereditary thrombocytopenia and hematologic cancer predisposition syndrome. Last evaluated: 2024-10-29. Review status: reviewed by expert panel. Criteria: ClinGen MyeloMalig ACMG Specifications v2. Collection method: curation. Allele origin: germline. Inheritance: Autosomal dominant inheritance.
Comment: NM_001754.5(RUNX1):c.301G>A (p.Val101Met) is a missense variant which has a REVEL score ≥ 0.88 (0.899) (PP3). This variant affects one of the residues within the Runt Homology Domain (AA 89-204) but not in an established hotspot residue (PM1_Supporting). This variant is completely absent from all population databases with at least 20x coverage for RUNX1 (PM2_Supporting). In summary, the clinical significance of this variant is uncertain. ACMG/AMP criteria applied, as specified by the Myeloid Malignancy Variant Curation Expert Panel for RUNX1: PP3, PM1_supporting, PM2_supporting.

Labcorp Genetics (formerly Invitae), Labcorp
Classification: Uncertain significance for Hereditary thrombocytopenia and hematological cancer predisposition syndrome associated with RUNX1. Last evaluated: 2025-06-23. Review status: criteria provided, single submitter. Criteria: Invitae Variant Classification Sherloc (09022015). Collection method: clinical testing. Allele origin: germline. Not counted in ClinVar's aggregate classification.
Comment: This sequence change replaces valine, which is neutral and non-polar, with methionine, which is neutral and non-polar, at codon 101 of the RUNX1 protein (p.Val101Met). This variant is not present in population databases (gnomAD no frequency). This variant has not been reported in the literature in individuals affected with RUNX1-related conditions. ClinVar contains an entry for this variant (Variation ID: 1493649). Invitae Evidence Modeling of protein sequence and biophysical properties (such as structural, functional, and spatial information, amino acid conservation, physicochemical variation, residue mobility, and thermodynamic stability) has been performed for this missense variant. However, the output from this modeling did not meet the statistical confidence thresholds required to predict the impact of this variant on RUNX1 protein function. In summary, the available evidence is currently insufficient to determine the role of this variant in disease. Therefore, it has been classified as a Variant of Uncertain Significance.

Ambry Genetics
Classification: Uncertain significance for Inborn genetic diseases. Last evaluated: 2025-03-02. Review status: criteria provided, single submitter. Criteria: Ambry Variant Classification Scheme 2023. Collection method: clinical testing. Allele origin: germline. Not counted in ClinVar's aggregate classification.
Comment: The p.V101M variant (also known as c.301G>A), located in coding exon 3 of the RUNX1 gene, results from a G to A substitution at nucleotide position 301. The valine at codon 101 is replaced by methionine, an amino acid with highly similar properties. This amino acid position is conserved. In addition, this alteration is predicted to be deleterious by in silico analysis. Based on the available evidence, the clinical significance of this variant remains unclear.

NM_001754.5(RUNX1):c.301G>A (p.Val101Met)

Gene: RUNX1 (RUNX family transcription factor 1; minus strand). Cytogenetic location: 21q22.12.
Variant type: single nucleotide variant.
Coding change: c.301G>A on transcript NM_001754.5 (MANE Select); coding-DNA position 301, G replaced by A.
Protein change: p.Val101Met; replaces valine 101 with methionine.
Molecular consequence: missense variant.
Genome position (GRCh38, 1-based): chr21:34,886,893, C>T on the plus strand (G>A on the coding strand, the complement: RUNX1 is on the minus strand). VCF-style: chr21-34886893-C-T. GRCh37 (hg19) VCF-style: chr21-36259190-C-T.
Other names: NM_001754.5(RUNX1):c.301G>A; p.Val101Met; c.220G>A, p.Val74Met (NM_001001890.3, NM_001122607.2); c.301G>A (NM_001754.4); short protein forms V74M, V101M.
Identifiers: ClinVar variation 1493649 (VCV001493649.10), dbSNP rs2146409049, ClinGen allele CA410203587.
Genomic context (GRCh38, chr21:34,886,893, plus strand): 5'-GGGCCAGTACCTTGAAAGCGATGGGCAGGGTCTTGTTGCAGCGCCAGTGCGTAGGCAGCA[C>T]GGAGCAGAGGAAGTTGGGGCTGTCGGTGCGCACCAGCTCGCCCGGGTGGTCGGCCAGCAC-3'
Protein context (NP_001745.2, residues 91-111): RTDSPNFLCS[Val101Met]LPTHWRCNKT